The following is an entry in ClinVar:

ClinVar aggregate classification (germline): Benign/Likely benign. Review status: criteria provided, multiple submitters, no conflicts (2 of 4 stars). 4 submissions from 4 submitters: Benign (2); Likely benign (1). 1 of the submissions does not count toward it. Last evaluated 2024-10-18.

Conditions:
PLXND1-related disorder. Also called: PLXND1-related condition.

Allele frequency attached by ClinVar (database versions not stated): gnomAD exomes 0.00096; ExAC 0.00218; gnomAD 0.00377 and 0.00408; ESP Exome Variant Server 0.00431; TOPMed 0.00451; 1000 Genomes Project 0.00459; 1000 Genomes Project 30x 0.00500.
gnomAD v4.1: 1,196 of 1,599,552 alleles (0.075%); highest among the groups gnomAD compares: African/African-American, 1.3%; 8 homozygotes.

Submissions (4):

Blueprint Genetics
Classification: Likely benign. Last evaluated: 2024-10-18. Review status: criteria provided, single submitter. Criteria: ACMG Guidelines, 2015. Collection method: clinical testing. Allele origin: germline.

Labcorp Genetics (formerly Invitae), Labcorp
Classification: Benign. Last evaluated: 2019-12-31. Review status: criteria provided, single submitter. Criteria: Invitae Variant Classification Sherloc (09022015). Collection method: clinical testing. Allele origin: germline.

Breakthrough Genomics
Classification: Benign. Review status: criteria provided, single submitter. Criteria: ACMG Guidelines, 2015. Collection method: not provided. Allele origin: germline. Inheritance: Unknown mechanism. Affected: yes.

PreventionGenetics, part of Exact Sciences
Classification: Benign for PLXND1-related condition. Last evaluated: 2019-03-06. Review status: no assertion criteria provided. Collection method: clinical testing. Allele origin: germline. Not counted in ClinVar's aggregate classification.
Comment: This variant is classified as benign based on ACMG/AMP sequence variant interpretation guidelines (Richards et al. 2015 PMID: 25741868, with internal and published modifications).

NM_015103.3(PLXND1):c.1501G>A (p.Glu501Lys)

Gene: PLXND1 (plexin D1; minus strand). Cytogenetic location: 3q22.1.
Variant type: single nucleotide variant.
Coding change: c.1501G>A on transcript NM_015103.3 (MANE Select); coding-DNA position 1501, G replaced by A.
Protein change: p.Glu501Lys; replaces glutamic acid 501 with lysine.
Molecular consequence: missense variant.
Genome position (GRCh38, 1-based): chr3:129,586,707, C>T on the plus strand (G>A on the coding strand, the complement: PLXND1 is on the minus strand). VCF-style: chr3-129586707-C-T. GRCh37 (hg19) VCF-style: chr3-129305550-C-T.
Other names: short protein forms E501K.
Identifiers: ClinVar variation 782243 (VCV000782243.8), dbSNP rs72990040, ClinGen allele CA2609353.